The following is an entry in ClinVar:

NM_025138.5(PROSER1):c.1033G>A (p.Ala345Thr)

Gene: PROSER1 (proline and serine rich 1; minus strand). Cytogenetic location: 13q13.3.
Variant type: single nucleotide variant.
Coding change: c.1033G>A on transcript NM_025138.5 (MANE Select); coding-DNA position 1033, G replaced by A.
Protein change: p.Ala345Thr; replaces alanine 345 with threonine.
Molecular consequence: missense variant.
Genome position (GRCh38, 1-based): chr13:39,014,219, C>T on the plus strand (G>A on the coding strand, the complement: PROSER1 is on the minus strand). VCF-style: chr13-39014219-C-T. GRCh37 (hg19) VCF-style: chr13-39588356-C-T.
Other names: c.967G>A, p.Ala323Thr (NM_170719.4); short protein forms A323T, A345T.
Identifiers: ClinVar variation 2065479 (VCV002065479.2), dbSNP rs145804132, ClinGen allele CA6957162.

ClinVar aggregate classification (germline): Uncertain significance (1 of 4 stars; one submission).

Allele frequency attached by ClinVar (database versions not stated): gnomAD exomes 0.00001; TOPMed 0.00001; gnomAD 0.00002; ExAC 0.00004; ESP Exome Variant Server 0.00008; 1000 Genomes Project 0.00040; 1000 Genomes Project 30x 0.00047.
gnomAD v4.1: 14 of 1,614,018 alleles (0.00087%); highest among the groups gnomAD compares: Admixed American, 0.0017%; no homozygotes.

Submission:

Labcorp Genetics (formerly Invitae), Labcorp
Classification: Uncertain significance. Last evaluated: 2022-09-15. Review status: criteria provided, single submitter. Criteria: Invitae Variant Classification Sherloc (09022015). Collection method: clinical testing. Allele origin: germline.
Comment: In summary, the available evidence is currently insufficient to determine the role of this variant in disease. Therefore, it has been classified as a Variant of Uncertain Significance. Algorithms developed to predict the effect of missense changes on protein structure and function output the following: SIFT: "Tolerated"; PolyPhen-2: "Benign"; Align-GVGD: "Class C0". The threonine amino acid residue is found in multiple mammalian species, which suggests that this missense change does not adversely affect protein function. This variant has not been reported in the literature in individuals affected with PROSER1-related conditions. This variant is present in population databases (rs145804132, gnomAD 0.004%). This sequence change replaces alanine, which is neutral and non-polar, with threonine, which is neutral and polar, at codon 345 of the PROSER1 protein (p.Ala345Thr).